The following is an entry in ClinVar:

NM_001042492.3(NF1):c.2064del (p.Val689fs)

Gene: NF1 (neurofibromin 1; plus strand). Cytogenetic location: 17q11.2.
Variant type: Deletion.
Coding change: c.2064del on transcript NM_001042492.3 (MANE Select); coding-DNA position 2064, one base deleted (A; older notation c.2064delA).
Protein change: p.Val689fs; shifts the reading frame from valine 689.
Molecular consequence: frameshift variant.
Genome position (GRCh38, 1-based): chr17:31,226,497, A deleted; the last of 2 consecutive A bases (chr17:31,226,496-31,226,497); deleting either gives the same sequence. VCF-style (leftmost placement, unchanged base first): chr17-31226495-GA-G. GRCh37 (hg19) VCF-style: chr17-29553513-GA-G.
Other names: c.2064delA, p.Val689Trpfs (NM_000267.4); short protein forms V689fs.
Identifiers: ClinVar variation 838146 (VCV000838146.6), dbSNP rs1555613786, ClinGen allele CA916080583.

ClinVar aggregate classification (germline): Pathogenic (1 of 4 stars; one submission).

Conditions:
Neurofibromatosis, type 1 (NF1). Also called: Peripheral type neurofibromatosis; Neurofibromatosis, type I; VON RECKLINGHAUSEN DISEASE; NEUROFIBROMATOSIS, TYPE I, SOMATIC. Identifiers: Orphanet 636, MedGen C0027831, MONDO:0018975, OMIM 162200. Disease mechanism: loss of function.

Submission:

Labcorp Genetics (formerly Invitae), Labcorp
Classification: Pathogenic for Neurofibromatosis, type 1. Last evaluated: 2019-11-26. Review status: criteria provided, single submitter. Criteria: Invitae Variant Classification Sherloc (09022015). Collection method: clinical testing. Allele origin: germline.
Comment: This sequence change creates a premature translational stop signal (p.Val689Trpfs*59) in the NF1 gene. It is expected to result in an absent or disrupted protein product. This variant is not present in population databases (ExAC no frequency). This variant has not been reported in the literature in individuals with NF1-related conditions. Loss-of-function variants in NF1 are known to be pathogenic (PMID: 10712197, 23913538). For these reasons, this variant has been classified as Pathogenic.

Literature cited by the submitters: PubMed 10712197; PubMed 23913538.